The following is an entry in ClinVar:

NM_001999.4(FBN2):c.3674G>A (p.Cys1225Tyr)

Gene: FBN2 (fibrillin 2; minus strand). Cytogenetic location: 5q23.3.
Variant type: single nucleotide variant.
Coding change: c.3674G>A on transcript NM_001999.4 (MANE Select); coding-DNA position 3674, G replaced by A.
Protein change: p.Cys1225Tyr; replaces cysteine 1225 with tyrosine.
Molecular consequence: missense variant.
Genome position (GRCh38, 1-based): chr5:128,336,038, C>T on the plus strand (G>A on the coding strand, the complement: FBN2 is on the minus strand). VCF-style: chr5-128336038-C-T. GRCh37 (hg19) VCF-style: chr5-127671730-C-T.
Other names: short protein forms C1225Y.
Identifiers: ClinVar variation 3663694 (VCV003663694.2).

ClinVar aggregate classification (germline): Likely pathogenic (1 of 4 stars; one submission).

Conditions:
Congenital contractural arachnodactyly (CCA). Also called: BEALS SYNDROME; Arthrogryposis, distal, type 9; Beals-Hecht syndrome. Identifiers: Orphanet 115, MedGen C0220668, MONDO:0007363, OMIM 121050.

Submission:

Labcorp Genetics (formerly Invitae), Labcorp
Classification: Likely pathogenic for Congenital contractural arachnodactyly. Last evaluated: 2025-01-16. Review status: criteria provided, single submitter. Criteria: Invitae Variant Classification Sherloc (09022015). Collection method: clinical testing. Allele origin: germline.
Comment: This sequence change replaces cysteine, which is neutral and slightly polar, with tyrosine, which is neutral and polar, at codon 1225 of the FBN2 protein (p.Cys1225Tyr). This variant is not present in population databases (gnomAD no frequency). This variant has not been reported in the literature in individuals affected with FBN2-related conditions. Invitae Evidence Modeling of protein sequence and biophysical properties (such as structural, functional, and spatial information, amino acid conservation, physicochemical variation, residue mobility, and thermodynamic stability) indicates that this missense variant is expected to disrupt FBN2 protein function with a positive predictive value of 80%. This variant affects a cysteine residue located within an epidermal growth factor (EGF)–like domain of the FBN2 protein. Cysteine residues in these domains are involved in the formation of disulfide bridges critical for protein structure and stability (PMID: 3495735, 4750422, 16677079). In addition, missense substitutions within the FBN2 EGF-like domains affecting cysteine residues are overrepresented in patients with congenital contractural arachnodactyly (PMID: 18767143). In summary, the currently available evidence indicates that the variant is pathogenic, but additional data are needed to prove that conclusively. Therefore, this variant has been classified as Likely Pathogenic.

Literature cited by the submitters: PubMed 3495735; PubMed 4750422; PubMed 16677079; PubMed 18767143.